The following is an entry in ClinVar:

ClinVar aggregate classification (germline): Uncertain significance (1 of 4 stars; one submission).

Allele frequency attached by ClinVar (database versions not stated): TOPMed below 0.00001.
gnomAD v4.1: 1 of 1,614,200 alleles (0.000062%); highest among the groups gnomAD compares: African/African-American, 0.0013%; no homozygotes.

Submission:

Ambry Genetics
Classification: Uncertain significance. Last evaluated: 2023-07-17. Review status: criteria provided, single submitter. Criteria: Ambry Variant Classification Scheme 2023. Collection method: clinical testing. Allele origin: germline.
Comment: The p.A1951V variant (also known as c.5852C>T), located in coding exon 8 of the ALPK2 gene, results from a C to T substitution at nucleotide position 5852. The alanine at codon 1951 is replaced by valine, an amino acid with similar properties. This amino acid position is conserved. In addition, this alteration is predicted to be tolerated by in silico analysis. Since supporting evidence is limited at this time, the clinical significance of this alteration remains unclear.

NM_052947.4(ALPK2):c.5852C>T (p.Ala1951Val)

Gene: ALPK2 (alpha kinase 2; minus strand). Cytogenetic location: 18q21.31.
Variant type: single nucleotide variant.
Coding change: c.5852C>T on transcript NM_052947.4 (MANE Select); coding-DNA position 5852, C replaced by T.
Protein change: p.Ala1951Val; replaces alanine 1951 with valine.
Molecular consequence: missense variant.
Genome position (GRCh38, 1-based): chr18:58,516,996, G>A on the plus strand (C>T on the coding strand, the complement: ALPK2 is on the minus strand). VCF-style: chr18-58516996-G-A. GRCh37 (hg19) VCF-style: chr18-56184228-G-A.
Other names: short protein forms A1951V.
Identifiers: ClinVar variation 2624502 (VCV002624502.2), dbSNP rs1004905892, ClinGen allele CA300911444.
Genomic context (GRCh38, chr18:58,516,996, plus strand): 5'-ATGAGCTCATCATTATTTCTGGTCCCATAGGCAATGGCATTGTGCACCTTAAGCACACAG[G>A]CATGGCCAGGTTTGAAGACAGGCATGAGGCCGTGCATCACTGTGCTGCGGAAGGCTTTGC-3'
Protein context (NP_443179.3, residues 1941-1961): GLMPVFKPGH[Ala1951Val]CVLKVHNAIA